The following is an entry in ClinVar:

NM_001261826.3(AP3D1):c.3435T>A (p.Asn1145Lys)

Gene: AP3D1 (adaptor related protein complex 3 subunit delta 1; minus strand). Cytogenetic location: 19p13.3.
Variant type: single nucleotide variant.
Coding change: c.3435T>A on transcript NM_001261826.3 (MANE Select); coding-DNA position 3435, T replaced by A.
Protein change: p.Asn1145Lys; replaces asparagine 1145 with lysine.
Molecular consequence: missense variant.
Genome position (GRCh38, 1-based): chr19:2,109,123, A>T on the plus strand (T>A on the coding strand, the complement: AP3D1 is on the minus strand). VCF-style: chr19-2109123-A-T. GRCh37 (hg19) VCF-style: chr19-2109122-A-T.
Other names: p.Asn1145Lys; c.3399T>A, p.Asn1133Lys (NM_001374799.1); c.3249T>A, p.Asn1083Lys (NM_003938.8); c.3249T>A (NM_003938.5); short protein forms N1145K, N1133K, N1083K.
Identifiers: ClinVar variation 790197 (VCV000790197.15), dbSNP rs143105452, ClinGen allele CA9058393.

ClinVar aggregate classification (germline): Conflicting classifications of pathogenicity. Review status: criteria provided, conflicting classifications (1 of 4 stars). 6 submissions from 6 submitters: Uncertain significance (1); Likely benign (4). 1 of the submissions does not count toward it. Last evaluated 2026-01-22.

Conditions:
AP3D1-related disorder. Also called: AP3D1-related condition.
Inborn genetic diseases. Identifiers: MedGen C0950123, MeSH D030342.

Allele frequency attached by ClinVar (database versions not stated): gnomAD exomes 0.00009 and 0.00021; ExAC 0.00022; 1000 Genomes Project 0.00060; 1000 Genomes Project 30x 0.00062; ESP Exome Variant Server 0.00088; gnomAD 0.00104 and 0.00115; TOPMed 0.00112.
gnomAD v4.1: 308 of 1,609,458 alleles (0.019%); highest among the groups gnomAD compares: African/African-American, 0.37%; no homozygotes.

Submissions (6):

Labcorp Genetics (formerly Invitae), Labcorp
Classification: Likely benign. Last evaluated: 2026-01-22. Review status: criteria provided, single submitter. Criteria: Invitae Variant Classification Sherloc (09022015). Collection method: clinical testing. Allele origin: germline.

Mayo Clinic Laboratories, Mayo Clinic
Classification: Likely benign. Last evaluated: 2025-05-16. Review status: criteria provided, single submitter. Criteria: ACMG Guidelines, 2015. Collection method: clinical testing. Allele origin: germline. Observed: 2 variant alleles.
Comment: BP4_moderate

GeneDx
Classification: Uncertain significance. Last evaluated: 2024-10-10. Review status: criteria provided, single submitter. Criteria: GeneDx Variant Classification Process June 2021. Collection method: clinical testing. Allele origin: germline. Affected: yes.
Comment: In silico analysis indicates that this missense variant does not alter protein structure/function; Has not been previously published as pathogenic or benign to our knowledge; Variants in candidate genes are classified as variants of uncertain significance in accordance with ACMG guidelines (PMID: 25741868)

Ambry Genetics
Classification: Likely benign for Inborn genetic diseases. Last evaluated: 2024-06-19. Review status: criteria provided, single submitter. Criteria: Ambry Variant Classification Scheme 2023. Collection method: clinical testing. Allele origin: germline.

Breakthrough Genomics
Classification: Likely benign. Review status: criteria provided, single submitter. Criteria: ACMG Guidelines, 2015. Collection method: not provided. Allele origin: germline. Inheritance: Autosomal recessive inheritance. Affected: yes.

PreventionGenetics, part of Exact Sciences
Classification: Likely benign for AP3D1-related condition. Last evaluated: 2022-02-23. Review status: no assertion criteria provided. Collection method: clinical testing. Allele origin: germline. Not counted in ClinVar's aggregate classification.
Comment: This variant is classified as likely benign based on ACMG/AMP sequence variant interpretation guidelines (Richards et al. 2015 PMID: 25741868, with internal and published modifications).